The following is an entry in ClinVar:

NM_001089.3(ABCA3):c.4284G>A (p.Met1428Ile)

Gene: ABCA3 (ATP binding cassette subfamily A member 3; minus strand). Cytogenetic location: 16p13.3.
Variant type: single nucleotide variant.
Coding change: c.4284G>A on transcript NM_001089.3 (MANE Select); coding-DNA position 4284, G replaced by A.
Protein change: p.Met1428Ile; replaces methionine 1428 with isoleucine.
Molecular consequence: missense variant.
Genome position (GRCh38, 1-based): chr16:2,281,102, C>T on the plus strand (G>A on the coding strand, the complement: ABCA3 is on the minus strand). VCF-style: chr16-2281102-C-T. GRCh37 (hg19) VCF-style: chr16-2331103-C-T.
Other names: short protein forms M1428I.
Identifiers: ClinVar variation 2001890 (VCV002001890.4), dbSNP rs1288791547, ClinGen allele CA394308997.

ClinVar aggregate classification (germline): Uncertain significance (1 of 4 stars; one submission).

Allele frequency attached by ClinVar (database versions not stated): gnomAD exomes below 0.00001; gnomAD 0.00001; TOPMed 0.00001.

Submission:

Labcorp Genetics (formerly Invitae), Labcorp
Classification: Uncertain significance. Last evaluated: 2022-06-18. Review status: criteria provided, single submitter. Criteria: Invitae Variant Classification Sherloc (09022015). Collection method: clinical testing. Allele origin: germline.
Comment: This sequence change replaces methionine, which is neutral and non-polar, with isoleucine, which is neutral and non-polar, at codon 1428 of the ABCA3 protein (p.Met1428Ile). The frequency data for this variant in the population databases is considered unreliable, as metrics indicate poor data quality at this position in the gnomAD database. This variant has not been reported in the literature in individuals affected with ABCA3-related conditions. Algorithms developed to predict the effect of missense changes on protein structure and function are either unavailable or do not agree on the potential impact of this missense change (SIFT: "Deleterious"; PolyPhen-2: "Benign"; Align-GVGD: "Class C0"). In summary, the available evidence is currently insufficient to determine the role of this variant in disease. Therefore, it has been classified as a Variant of Uncertain Significance.